The following is an entry in ClinVar:

ClinVar aggregate classification (germline): Benign. Review status: criteria provided, multiple submitters, no conflicts (2 of 4 stars). 3 submissions from 3 submitters: Benign (3). Last evaluated 2023-11-12.

Allele frequency attached by ClinVar (database versions not stated): 1000 Genomes Project 0.78135; gnomAD exomes 0.78305; 1000 Genomes Project 30x 0.78373; TOPMed 0.78624; gnomAD 0.78655 and 0.78722.
gnomAD v4.1: 637,373 of 813,216 alleles (78%); highest among the groups gnomAD compares: African/African-American, 79%; 249,959 homozygotes.

Submissions (3):

Unidad de Genómica Garrahan, Hospital de Pediatría Garrahan
Classification: Benign. Last evaluated: 2023-11-12. Review status: criteria provided, single submitter. Criteria: ACMG Guidelines, 2015. Collection method: clinical testing. Allele origin: germline. Affected: no. Observed: 89 variant alleles.
Comment: This variant is classified as Benign based on local population frequency. This variant was detected in 93% of patients studied by a panel of primary immunodeficiencies. Number of patients: 89. Only high quality variants are reported.

GeneDx
Classification: Benign. Last evaluated: 2021-05-13. Review status: criteria provided, single submitter. Criteria: GeneDx Variant Classification Process June 2021. Collection method: clinical testing. Allele origin: germline. Affected: yes.

Breakthrough Genomics
Classification: Benign. Review status: criteria provided, single submitter. Criteria: ACMG Guidelines, 2015. Collection method: not provided. Allele origin: germline. Inheritance: Autosomal dominant inheritance. Affected: yes.

NM_144687.4(NLRP12):c.-140T>A

Gene: NLRP12 (NLR family pyrin domain containing 12; minus strand). Cytogenetic location: 19q13.42.
Variant type: single nucleotide variant.
Coding change: c.-140T>A on transcript NM_144687.4 (MANE Select); 140 bases upstream of the start codon, T replaced by A.
Molecular consequence: 5 prime UTR variant.
Genome position (GRCh38, 1-based): chr19:53,824,314, A>T on the plus strand (T>A on the coding strand, the complement: NLRP12 is on the minus strand). VCF-style: chr19-53824314-A-T. GRCh37 (hg19) VCF-style: chr19-54327568-A-T.
Other names: c.-140T>A (NM_001277126.2, NM_001277129.1).
Identifiers: ClinVar variation 330052 (VCV000330052.9), dbSNP rs4419163, ClinGen allele CA10652758.